The following is an entry in ClinVar:

NM_000797.4(DRD4):c.406GCCGTG[1] (p.136AV[1])

Gene: DRD4 (dopamine receptor D4; plus strand). Cytogenetic location: 11p15.5.
Variant type: Microsatellite.
Coding change: c.406GCCGTG[1] on transcript NM_000797.4 (MANE Select); one copy of the 6-base unit GCCGTG starting at c.406; the reference has two copies in a row; one copy, 6 bases deleted.
Protein change: p.136AV[1].
Molecular consequence: inframe deletion.
Genome position (GRCh38, 1-based): chr11:639,661-639,666, GCCGTG deleted; deleting any 6 consecutive bases within chr11:639,651-639,666 gives the same sequence; the position shown is the placement nearest the transcript's 3' end. VCF-style (leftmost placement, unchanged base first): chr11-639650-TCGTGGC-T. GRCh37 (hg19) VCF-style: chr11-639650-TCGTGGC-T.
Other names: c.412_417delGCCGTG (NM_000797.4).
Identifiers: ClinVar variation 3063646 (VCV003063646.1), dbSNP rs751106635, ClinGen allele CA5785703.
Genomic context (GRCh38, chr11:639,650, plus strand): 5'-CCCGCCGCCCTCACCGCGGCCTGTGCGCTGTCCGGCGCCCCCTCGGCGCTCCCCGCAGGT[TCGTGGC>T]CGTGGCCGTGCCGCTGCGCTACAACCGGCAGGGTGGGAGCCGCCGGCAGCTGCTGCTCAT-3'

ClinVar aggregate classification (germline): Uncertain significance (1 of 4 stars; one submission).

Submission:

Women's Health and Genetics/Laboratory Corporation of America, LabCorp
Classification: Uncertain significance. Last evaluated: 2024-01-23. Review status: criteria provided, single submitter. Criteria: LabCorp Variant Classification Summary - May 2015. Collection method: clinical testing. Allele origin: germline.
Comment: Variant summary: DRD4 c.412_417delGCCGTG (p.Ala138_Val139del) results in an in-frame deletion that is predicted to remove 2 amino acids from the encoded protein. The variant allele was found at a frequency of 0.00046 in 81926 control chromosomes in the gnomAD database, including 1 homozygotes. To our knowledge, no occurrence of c.412_417delGCCGTG in individuals affected with DRD4-Related Disorders and no experimental evidence demonstrating its impact on protein function have been reported. No submitters have cited clinical-significance assessments for this variant to ClinVar. Based on the evidence outlined above, the variant was classified as uncertain significance.